The following is an entry in ClinVar:

ClinVar aggregate classification (germline): Uncertain significance (1 of 4 stars; one submission).

gnomAD v4.1: 3 of 1,611,288 alleles (0.00019%); highest among the groups gnomAD compares: Admixed American, 0.0033%; no homozygotes.

Submission:

GeneDx
Classification: Uncertain significance. Last evaluated: 2023-01-25. Review status: criteria provided, single submitter. Criteria: GeneDx Variant Classification Process June 2021. Collection method: clinical testing. Allele origin: germline. Affected: yes.
Comment: Not observed at significant frequency in large population cohorts (gnomAD); In silico analysis supports that this missense variant has a deleterious effect on protein structure/function; Has not been previously published as pathogenic or benign to our knowledge

NM_001271938.2(MEGF8):c.497G>T (p.Gly166Val)

Gene: MEGF8 (multiple EGF like domains 8; plus strand). Cytogenetic location: 19q13.2.
Variant type: single nucleotide variant.
Coding change: c.497G>T on transcript NM_001271938.2 (MANE Select); coding-DNA position 497, G replaced by T.
Protein change: p.Gly166Val; replaces glycine 166 with valine.
Molecular consequence: missense variant.
Genome position (GRCh38, 1-based): chr19:42,334,152, G>T. VCF-style: chr19-42334152-G-T. GRCh37 (hg19) VCF-style: chr19-42838304-G-T.
Other names: c.497G>T, p.Gly166Val (NM_001410.3); short protein forms G166V.
Identifiers: ClinVar variation 2574383 (VCV002574383.1), dbSNP rs79719576, ClinGen allele CA308620130.